The following is an entry in ClinVar:

NM_016194.4(GNB5):c.424G>A (p.Ala142Thr)

Gene: GNB5 (G protein subunit beta 5; minus strand). Cytogenetic location: 15q21.2.
Variant type: single nucleotide variant.
Coding change: c.424G>A on transcript NM_016194.4 (MANE Select); coding-DNA position 424, G replaced by A.
Protein change: p.Ala142Thr; replaces alanine 142 with threonine.
Molecular consequence: missense variant.
Genome position (GRCh38, 1-based): chr15:52,147,529, C>T on the plus strand (G>A on the coding strand, the complement: GNB5 is on the minus strand). VCF-style: chr15-52147529-C-T. GRCh37 (hg19) VCF-style: chr15-52439726-C-T.
Other names: c.142G>A, p.Ala48Thr (NM_001379343.1); c.298G>A, p.Ala100Thr (NM_006578.4); short protein forms A48T, A100T, A142T.
Identifiers: ClinVar variation 3100607 (VCV003100607.2), dbSNP rs368969434, ClinGen allele CA270645096.

ClinVar aggregate classification (germline): Uncertain significance. Review status: criteria provided, multiple submitters, no conflicts (2 of 4 stars). 2 submissions from 2 submitters: Uncertain significance (2). Last evaluated 2024-11-05.

Conditions:
Inborn genetic diseases. Identifiers: MedGen C0950123, MeSH D030342.

Allele frequency attached by ClinVar (database versions not stated): gnomAD 0.00002; gnomAD exomes 0.00002; TOPMed 0.00002; ESP Exome Variant Server 0.00008.
gnomAD v4.1: 29 of 1,582,890 alleles (0.0018%); highest among the groups gnomAD compares: African/African-American, 0.0041%; no homozygotes.

Submissions (2):

GeneDx
Classification: Uncertain significance. Last evaluated: 2024-11-05. Review status: criteria provided, single submitter. Criteria: GeneDx Variant Classification Process June 2021. Collection method: clinical testing. Allele origin: germline. Affected: yes.
Comment: Not observed at significant frequency in large population cohorts (gnomAD); In silico analysis supports that this missense variant has a deleterious effect on protein structure/function; Has not been previously published as pathogenic or benign to our knowledge

Ambry Genetics
Classification: Uncertain significance for Inborn genetic diseases. Last evaluated: 2022-12-01. Review status: criteria provided, single submitter. Criteria: Ambry Variant Classification Scheme 2023. Collection method: clinical testing. Allele origin: germline.